The following is an entry in ClinVar:

ClinVar aggregate classification (germline): Uncertain significance (1 of 4 stars; one submission).

Conditions:
Cardiovascular phenotype. Identifiers: MedGen CN230736.

Submission:

Ambry Genetics
Classification: Uncertain significance for Cardiovascular phenotype. Last evaluated: 2026-06-17. Review status: criteria provided, single submitter. Criteria: Ambry Variant Classification Scheme 2023. Collection method: clinical testing. Allele origin: germline.
Comment: The p.I195M variant (also known as c.585A>G), located in coding exon 6 of the SPRED1 gene, results from an A to G substitution at nucleotide position 585. The isoleucine at codon 195 is replaced by methionine, an amino acid with highly similar properties. This amino acid position is conserved. In addition, this alteration is predicted to be tolerated by in silico analysis. Based on the available evidence, the clinical significance of this variant remains unclear.

NM_152594.3(SPRED1):c.585A>G (p.Ile195Met)

Gene: SPRED1 (sprouty related EVH1 domain containing 1; plus strand). Cytogenetic location: 15q14.
Variant type: single nucleotide variant.
Coding change: c.585A>G on transcript NM_152594.3 (MANE Select); coding-DNA position 585, A replaced by G.
Protein change: p.Ile195Met; replaces isoleucine 195 with methionine.
Molecular consequence: missense variant.
Genome position (GRCh38, 1-based): chr15:38,349,424, A>G. VCF-style: chr15-38349424-A-G. GRCh37 (hg19) VCF-style: chr15-38641625-A-G.
Other names: short protein forms I195M.
Identifiers: ClinVar variation 5030102 (VCV005030102.1).